The following is an entry in ClinVar:

ClinVar aggregate classification (germline): Benign. Review status: criteria provided, multiple submitters, no conflicts (2 of 4 stars). 8 submissions from 8 submitters: Benign (5). 3 of the submissions do not count toward it. Last evaluated 2026-02-03.

Conditions:
Achromatopsia 2 (ACHM2). Also called: COLORBLINDNESS, TOTAL; ROD MONOCHROMACY 2; ROD MONOCHROMATISM 2. Identifiers: Orphanet 49382, MedGen C1857618, MONDO:0009003, OMIM 216900.

Allele frequency attached by ClinVar (database versions not stated): 1000 Genomes Project 30x 0.06793; 1000 Genomes Project 0.06889; ESP Exome Variant Server 0.07736; TOPMed 0.07969.
gnomAD v4.1: 135,958 of 1,607,010 alleles (8.5%); highest among the groups gnomAD compares: Middle Eastern, 16%; 6,199 homozygotes.

Submissions (8):

Labcorp Genetics (formerly Invitae), Labcorp
Classification: Benign. Last evaluated: 2026-02-03. Review status: criteria provided, single submitter. Criteria: Invitae Variant Classification Sherloc (09022015). Collection method: clinical testing. Allele origin: germline.

Blueprint Genetics
Classification: Benign. Last evaluated: 2024-11-26. Review status: criteria provided, single submitter. Criteria: ACMG Guidelines, 2015. Collection method: clinical testing. Allele origin: germline.

GeneDx
Classification: Benign. Last evaluated: 2016-03-15. Review status: criteria provided, single submitter. Criteria: GeneDx Variant Classification (06012015). Collection method: clinical testing. Allele origin: germline. Affected: yes.
Comment: This variant is considered likely benign or benign based on one or more of the following criteria: it is a conservative change, it occurs at a poorly conserved position in the protein, it is predicted to be benign by multiple in silico algorithms, and/or has population frequency not consistent with disease.

Breakthrough Genomics
Classification: Benign. Review status: criteria provided, single submitter. Criteria: ACMG Guidelines, 2015. Collection method: not provided. Allele origin: germline. Inheritance: Autosomal recessive inheritance. Affected: yes.

PreventionGenetics, part of Exact Sciences
Classification: Benign. Review status: criteria provided, single submitter. Criteria: ACMG Guidelines, 2015. Collection method: clinical testing. Allele origin: germline.

Molecular Genetics Laboratory, Institute for Ophthalmic Research
Classification: Benign for Achromatopsia 2. Last evaluated: 2021-04-15. Review status: no assertion criteria provided. Collection method: research. Allele origin: germline. Affected: yes. Not counted in ClinVar's aggregate classification.

Diagnostic Laboratory, Department of Genetics, University Medical Center Groningen
Classification: Benign. Review status: no assertion criteria provided. Collection method: clinical testing. Allele origin: germline. Affected: yes. Study: VKGL Data-share Consensus. Not counted in ClinVar's aggregate classification.

Joint Genome Diagnostic Labs from Nijmegen and Maastricht, Radboudumc and MUMC+
Classification: Benign. Review status: no assertion criteria provided. Collection method: clinical testing. Allele origin: germline. Affected: yes. Study: VKGL Data-share Consensus. Not counted in ClinVar's aggregate classification.

NM_001298.3(CNGA3):c.102-16A>G

Gene: CNGA3 (cyclic nucleotide gated channel subunit alpha 3; plus strand). Cytogenetic location: 2q11.2.
Variant type: single nucleotide variant.
Coding change: c.102-16A>G on transcript NM_001298.3 (MANE Select); 16 bases into the intron before coding-DNA position 102, A replaced by G.
Molecular consequence: intron variant.
Genome position (GRCh38, 1-based): chr2:98,377,671, A>G. VCF-style: chr2-98377671-A-G. GRCh37 (hg19) VCF-style: chr2-98994134-A-G.
Other names: c.102-16A>G (NM_001079878.2).
Identifiers: ClinVar variation 257961 (VCV000257961.20), dbSNP rs2279859, ClinGen allele CA1793572.